The following is an entry in ClinVar:

ClinVar aggregate classification (germline): Uncertain significance. Review status: criteria provided, multiple submitters, no conflicts (2 of 4 stars). 5 submissions from 5 submitters: Uncertain significance (4). 1 of the submissions does not count toward it. Last evaluated 2025-08-12.

Conditions:
Marfan syndrome (MFS). Also called: MARFAN SYNDROME, TYPE I; Marfan syndrome type 1; Marfan's syndrome; Marfan syndrome, classic; FBN1-Related Marfan Syndrome. Identifiers: Orphanet 284963, Orphanet 558, MedGen C0024796, MONDO:0007947, OMIM 154700.
Familial thoracic aortic aneurysm and aortic dissection (TAAD). Also called: Thoracic aortic aneurysms and dissections. Identifiers: Orphanet 91387, MedGen C4707243, MONDO:0019625.
FBN1-related disorder. Also called: FBN1-related disorders.
Geleophysic dysplasia 2 (GPHYSD2). Identifiers: Orphanet 2623, MedGen C3280054, MONDO:0013612, OMIM 614185.
Progeroid and marfanoid aspect-lipodystrophy syndrome. Also called: MARFANOID-PROGEROID-LIPODYSTROPHY SYNDROME; MARFANOID-PROGEROID SYNDROME; MARFAN-PROGEROID-LIPODYSTROPHY SYNDROME; Marfan lipodystrophy syndrome. Identifiers: Orphanet 300382, MedGen C4310796, MONDO:0014831, OMIM 616914.
Ectopia lentis 1, isolated, autosomal dominant (ECTOL1). Identifiers: Orphanet 1885, MedGen C3541518, MONDO:0007514, OMIM 129600.
Stiff skin syndrome (SSKS). Identifiers: Orphanet 2833, MedGen C1861456, MONDO:0008492, OMIM 184900.
MASS syndrome (OCTD). Also called: MASS PHENOTYPE; OVERLAP CONNECTIVE TISSUE DISEASE. Identifiers: MedGen C1858556, MONDO:0011431, OMIM 604308.
Acromicric dysplasia (ACMICD). Also called: Acromicric skeletal dysplasia. Identifiers: Orphanet 969, MedGen C0265287, MONDO:0007055, OMIM 102370.
Weill-Marchesani syndrome 2, dominant. Also called: Weill-Marchesani Syndrome, Autosomal Dominant; FBN1-Related Weill-Marchesani Syndrome. Identifiers: Orphanet 2084, MedGen C1869115, MONDO:0012013, OMIM 608328.

gnomAD v4.1: 1 of 1,614,064 alleles (0.000062%); highest among the groups gnomAD compares: Non-Finnish European, 0.000085%; no homozygotes.

Submissions (5):

Labcorp Genetics (formerly Invitae), Labcorp
Classification: Uncertain significance for Marfan syndrome; Familial thoracic aortic aneurysm and aortic dissection. Last evaluated: 2025-08-12. Review status: criteria provided, single submitter. Criteria: Invitae Variant Classification Sherloc (09022015). Collection method: clinical testing. Allele origin: germline.
Comment: This sequence change replaces histidine, which is basic and polar, with leucine, which is neutral and non-polar, at codon 1377 of the FBN1 protein (p.His1377Leu). The frequency data for this variant in the population databases is considered unreliable, as metrics indicate poor data quality at this position in the gnomAD database. This variant has not been reported in the literature in individuals affected with FBN1-related conditions. ClinVar contains an entry for this variant (Variation ID: 1512931). Invitae Evidence Modeling of protein sequence and biophysical properties (such as structural, functional, and spatial information, amino acid conservation, physicochemical variation, residue mobility, and thermodynamic stability) has been performed for this missense variant. However, the output from this modeling did not meet the statistical confidence thresholds required to predict the impact of this variant on FBN1 protein function. In summary, the available evidence is currently insufficient to determine the role of this variant in disease. Therefore, it has been classified as a Variant of Uncertain Significance.

Color Diagnostics, LLC DBA Color Health
Classification: Uncertain significance for Familial thoracic aortic aneurysm and aortic dissection. Last evaluated: 2025-07-08. Review status: criteria provided, single submitter. Criteria: ACMG Guidelines, 2015. Collection method: clinical testing. Allele origin: germline.
Comment: This missense variant replaces histidine with leucine at codon 1377 of the FBN1 protein. Computational prediction is inconclusive regarding the impact of this variant on protein structure and function. To our knowledge, functional studies have not been reported for this variant. This variant has not been reported in individuals affected with FBN1-related disorders in the literature. This variant has not been identified in the general population by the Genome Aggregation Database (gnomAD). The available evidence is insufficient to determine the role of this variant in disease conclusively. Therefore, this variant is classified as a Variant of Uncertain Significance.

All of Us Research Program, National Institutes of Health
Classification: Uncertain significance for Marfan syndrome. Last evaluated: 2023-08-15. Review status: criteria provided, single submitter. Criteria: ACMG Guidelines, 2015. Collection method: clinical testing. Allele origin: germline. Inheritance: Autosomal dominant inheritance. Observed: 2 variant alleles, 2 heterozygotes.
Comment: This missense variant replaces histidine with leucine at codon 1377 of the FBN1 protein. Computational prediction is inconclusive regarding the impact of this variant on protein structure and function (internally defined REVEL score threshold 0.5 < inconclusive < 0.7, PMID: 27666373). To our knowledge, functional studies have not been reported for this variant. This variant has not been reported in individuals affected with FBN1-related disorders in the literature. This variant has not been identified in the general population by the Genome Aggregation Database (gnomAD). The available evidence is insufficient to determine the role of this variant in disease conclusively. Therefore, this variant is classified as a Variant of Uncertain Significance.

This study involves interpretation of variants in research participants for the purpose of population health screening. Participant phenotype was not available at the time of variant classification. Additional details can be found in publication PMID: 35346344, PMCID: PMC8962531

Fulgent Genetics
Classification: Uncertain significance for Acromicric dysplasia; Ectopia lentis 1, isolated, autosomal dominant; Marfan syndrome; Stiff skin syndrome; MASS syndrome; Weill-Marchesani syndrome 2, dominant; Geleophysic dysplasia 2; Progeroid and marfanoid aspect-lipodystrophy syndrome. Last evaluated: 2021-09-15. Review status: criteria provided, single submitter. Criteria: ACMG Guidelines, 2015. Collection method: clinical testing. Allele origin: unknown.

PreventionGenetics, part of Exact Sciences
Classification: Uncertain significance for FBN1-related condition. Last evaluated: 2024-02-21. Review status: no assertion criteria provided. Collection method: clinical testing. Allele origin: germline. Not counted in ClinVar's aggregate classification.
Comment: The FBN1 c.4130A>T variant is predicted to result in the amino acid substitution p.His1377Leu. To our knowledge, this variant has not been reported in the literature. This variant is reported in 0.0065% of alleles in individuals of European (Non-Finnish) descent in gnomAD and has been interpreted as uncertain by multiple submitters in ClinVar. At this time, the clinical significance of this variant is uncertain due to the absence of conclusive functional and genetic evidence.

NM_000138.5(FBN1):c.4130A>T (p.His1377Leu)

Gene: FBN1 (fibrillin 1; minus strand). Cytogenetic location: 15q21.1.
Variant type: single nucleotide variant.
Coding change: c.4130A>T on transcript NM_000138.5 (MANE Select); coding-DNA position 4130, A replaced by T.
Protein change: p.His1377Leu; replaces histidine 1377 with leucine.
Molecular consequence: missense variant.
Genome position (GRCh38, 1-based): chr15:48,474,335, T>A on the plus strand (A>T on the coding strand, the complement: FBN1 is on the minus strand). VCF-style: chr15-48474335-T-A. GRCh37 (hg19) VCF-style: chr15-48766532-T-A.
Other names: short protein forms H1377L.
Identifiers: ClinVar variation 1512931 (VCV001512931.15), dbSNP rs1238143005, ClinGen allele CA392320285.